The following is an entry in ClinVar:

NC_000014.8:g.(?_68256032)_(68260976_?)del

Gene: ZFYVE26 (zinc finger FYVE-type containing 26; minus strand). Cytogenetic location: 14q24.1.
Variant type: Deletion.
Identifiers: ClinVar variation 3243953 (VCV003243953.1).

ClinVar aggregate classification (germline): Pathogenic (1 of 4 stars; one submission).

Conditions:
Spastic paraplegia. Identifiers: MedGen C0037772, HP:0001258.

Submission:

Labcorp Genetics (formerly Invitae), Labcorp
Classification: Pathogenic for Spastic paraplegia. Last evaluated: 2023-07-16. Review status: criteria provided, single submitter. Criteria: Invitae Variant Classification Sherloc (09022015). Collection method: clinical testing. Allele origin: unknown.
Comment: This variant is a gross deletion of the genomic region encompassing exon(s) 13-16 of the ZFYVE26 gene. This variant would be expected to be in-frame, preserving the integrity of the reading frame. This variant has not been reported in the literature in individuals affected with ZFYVE26-related conditions. This variant disrupts a region of the ZFYVE26 protein in which other variant(s) (p.Leu880Pro) have been determined to be pathogenic (PMID: 26492578). This suggests that this is a clinically significant region of the protein, and that variants that disrupt it are likely to be disease-causing. For these reasons, this variant has been classified as Pathogenic.

Literature cited by the submitters: PubMed 26492578.